The following is an entry in ClinVar:

ClinVar aggregate classification (germline): Uncertain significance. Review status: criteria provided, multiple submitters, no conflicts (2 of 4 stars). 2 submissions from 2 submitters: Uncertain significance (2). Last evaluated 2025-04-09.

Conditions:
Hereditary breast ovarian cancer syndrome. Also called: Hereditary breast and ovarian cancer; Hereditary breast and/or ovarian cancer syndrome; BRCA1- and BRCA2-Associated Hereditary Breast and Ovarian Cancer; Hereditary breast and ovarian cancer syndrome; Hereditary breast and ovarian cancer syndrome (HBOC); Breast and ovarian cancer. Identifiers: Orphanet 145, MedGen C0677776, MeSH D061325, MONDO:0003582. Disease mechanism: loss of function.

Submissions (2):

Labcorp Genetics (formerly Invitae), Labcorp
Classification: Uncertain significance for Hereditary breast ovarian cancer syndrome. Last evaluated: 2025-04-09. Review status: criteria provided, single submitter. Criteria: Invitae Variant Classification Sherloc (09022015). Collection method: clinical testing. Allele origin: germline.
Comment: This sequence change replaces serine, which is neutral and polar, with threonine, which is neutral and polar, at codon 2533 of the BRCA2 protein (p.Ser2533Thr). This variant is not present in population databases (gnomAD no frequency). This variant has not been reported in the literature in individuals affected with BRCA2-related conditions. ClinVar contains an entry for this variant (Variation ID: 1363641). Invitae Evidence Modeling of protein sequence and biophysical properties (such as structural, functional, and spatial information, amino acid conservation, physicochemical variation, residue mobility, and thermodynamic stability) indicates that this missense variant is not expected to disrupt BRCA2 protein function with a negative predictive value of 95%. In summary, the available evidence is currently insufficient to determine the role of this variant in disease. Therefore, it has been classified as a Variant of Uncertain Significance.

Women's Health and Genetics/Laboratory Corporation of America, LabCorp
Classification: Uncertain significance. Last evaluated: 2023-11-03. Review status: criteria provided, single submitter. Criteria: LabCorp Variant Classification Summary - May 2015. Collection method: clinical testing. Allele origin: germline.

NM_000059.4(BRCA2):c.7597T>A (p.Ser2533Thr)

Gene: BRCA2 (BRCA2 DNA repair associated; plus strand). Cytogenetic location: 13q13.1.
Variant type: single nucleotide variant.
Coding change: c.7597T>A on transcript NM_000059.4 (MANE Select); coding-DNA position 7597, T replaced by A.
Protein change: p.Ser2533Thr; replaces serine 2533 with threonine.
Molecular consequence: missense variant.
Genome position (GRCh38, 1-based): chr13:32,356,589, T>A. VCF-style: chr13-32356589-T-A. GRCh37 (hg19) VCF-style: chr13-32930726-T-A.
Other names: short protein forms S2533T.
Identifiers: ClinVar variation 1363641 (VCV001363641.12), dbSNP rs786204150, ClinGen allele CA387743933.